The following is an entry in ClinVar:

ClinVar aggregate classification (germline): Uncertain significance (1 of 4 stars; one submission).

Conditions:
Cardiomyopathy (CMYO). Also called: Cardiomyopathies. Identifiers: Orphanet 167848, MedGen C0878544, MONDO:0004994, HP:0001638. Inheritance: Various modes of inheritance.

Submission:

All of Us Research Program, National Institutes of Health
Classification: Uncertain significance for Cardiomyopathy. Last evaluated: 2024-03-05. Review status: criteria provided, single submitter. Criteria: ACMG Guidelines, 2015. Collection method: clinical testing. Allele origin: germline. Inheritance: Autosomal dominant inheritance. Observed: 1 variant allele, 1 heterozygote.
Comment: This study involves interpretation of variants in research participants for the purpose of population health screening. Participant phenotype was not available at the time of variant classification. Additional details can be found in publication PMID: 35346344, PMCID: PMC8962531

NM_000257.4(MYH7):c.318G>C (p.Lys106Asn)

Gene: MYH7 (myosin heavy chain 7; minus strand). Cytogenetic location: 14q11.2.
Variant type: single nucleotide variant.
Coding change: c.318G>C on transcript NM_000257.4 (MANE Select); coding-DNA position 318, G replaced by C.
Protein change: p.Lys106Asn; replaces lysine 106 with asparagine.
Molecular consequence: missense variant.
Genome position (GRCh38, 1-based): chr14:23,433,111, C>G on the plus strand (G>C on the coding strand, the complement: MYH7 is on the minus strand). VCF-style: chr14-23433111-C-G. GRCh37 (hg19) VCF-style: chr14-23902320-C-G.
Other names: c.318G>C, p.Lys106Asn (NM_001407004.1); short protein forms K106N.
Identifiers: ClinVar variation 3387364 (VCV003387364.1).
Genomic context (GRCh38, chr14:23,433,111, plus strand): 5'-AGATCCCAACGTAGGGCCAGGTGCAGCACTCACGTAGATCATCCAGGAGCCGTAGCGATC[C>G]TTGAGGTTGTAGAGCACCGCGGGCTCATGCAGGAAGGTCAGCATGGCCATGTCCTCGATT-3'
Protein context (NP_000248.2, residues 96-116): LHEPAVLYNL[Lys106Asn]DRYGSWMIYT